The following is an entry in ClinVar:

ClinVar aggregate classification (germline): Likely benign (0 of 4 stars; one submission).

Conditions:
DIP2B-related disorder. Also called: DIP2B-related condition.

gnomAD v4.1: 147 of 1,611,952 alleles (0.0091%); highest among the groups gnomAD compares: Non-Finnish European, 0.012%; no homozygotes.

Submission:

PreventionGenetics, part of Exact Sciences
Classification: Likely benign for DIP2B-related condition. Last evaluated: 2024-03-07. Review status: no assertion criteria provided. Collection method: clinical testing. Allele origin: germline.
Comment: This variant is classified as likely benign based on ACMG/AMP sequence variant interpretation guidelines (Richards et al. 2015 PMID: 25741868, with internal and published modifications).

NM_173602.3(DIP2B):c.807C>G (p.Val269=)

Gene: DIP2B (disco interacting protein 2 homolog B; plus strand). Cytogenetic location: 12q13.12.
Variant type: single nucleotide variant.
Coding change: c.807C>G on transcript NM_173602.3 (MANE Select); coding-DNA position 807, C replaced by G.
Protein change: p.Val269=; no amino-acid change (valine 269 retained).
Molecular consequence: synonymous variant.
Genome position (GRCh38, 1-based): chr12:50,675,339, C>G. VCF-style: chr12-50675339-C-G. GRCh37 (hg19) VCF-style: chr12-51069122-C-G.
Identifiers: ClinVar variation 3350478 (VCV003350478.1).